The following is an entry in ClinVar:

ClinVar aggregate classification (germline): Uncertain significance (1 of 4 stars; one submission).

Submission:

Labcorp Genetics (formerly Invitae), Labcorp
Classification: Uncertain significance. Last evaluated: 2025-02-03. Review status: criteria provided, single submitter. Criteria: Invitae Variant Classification Sherloc (09022015). Collection method: clinical testing. Allele origin: germline.
Comment: This sequence change replaces cysteine, which is neutral and slightly polar, with serine, which is neutral and polar, at codon 658 of the ERBIN protein (p.Cys658Ser). This variant is not present in population databases (gnomAD no frequency). This variant has not been reported in the literature in individuals affected with ERBIN-related conditions. An algorithm developed to predict the effect of missense changes on protein structure and function (PolyPhen-2) suggests that this variant is likely to be disruptive. In summary, the available evidence is currently insufficient to determine the role of this variant in disease. Therefore, it has been classified as a Variant of Uncertain Significance.

NM_001253697.2(ERBIN):c.1972T>A (p.Cys658Ser)

Gene: ERBIN (erbb2 interacting protein; plus strand). Cytogenetic location: 5q12.3.
Variant type: single nucleotide variant.
Coding change: c.1972T>A on transcript NM_001253697.2 (MANE Select); coding-DNA position 1972, T replaced by A.
Protein change: p.Cys658Ser; replaces cysteine 658 with serine.
Molecular consequence: missense variant.
Genome position (GRCh38, 1-based): chr5:66,050,851, T>A. VCF-style: chr5-66050851-T-A. GRCh37 (hg19) VCF-style: chr5-65346679-T-A.
Other names: c.1972T>A, p.Cys658Ser (NM_001006600.3, NM_001253698.2, NM_001253699.2 and 1 more transcripts); c.1960T>A, p.Cys654Ser (NM_001253701.2); short protein forms C654S, C658S.
Identifiers: ClinVar variation 4712232 (VCV004712232.1).